The following is an entry in ClinVar:

NM_006214.4(PHYH):c.140C>T (p.Thr47Ile)

Gene: PHYH (phytanoyl-CoA 2-hydroxylase; minus strand). Cytogenetic location: 10p13.
Variant type: single nucleotide variant.
Coding change: c.140C>T on transcript NM_006214.4 (MANE Select); coding-DNA position 140, C replaced by T.
Protein change: p.Thr47Ile; replaces threonine 47 with isoleucine.
Molecular consequence: missense variant. On other transcripts: 5 prime UTR variant (3).
Genome position (GRCh38, 1-based): chr10:13,295,601, G>A on the plus strand (C>T on the coding strand, the complement: PHYH is on the minus strand). VCF-style: chr10-13295601-G-A. GRCh37 (hg19) VCF-style: chr10-13337601-G-A.
Other names: c.-161C>T (NM_001037537.2, NM_001323080.2, NM_001323084.2); c.140C>T, p.Thr47Ile (NM_001323082.2, NM_001323083.2); short protein forms T47I.
Identifiers: ClinVar variation 1411744 (VCV001411744.5), dbSNP rs754281074, ClinGen allele CA5412466.

ClinVar aggregate classification (germline): Uncertain significance (1 of 4 stars; one submission).

Allele frequency attached by ClinVar (database versions not stated): gnomAD exomes below 0.00001 and 0.00001; ExAC 0.00001; gnomAD 0.00001.
gnomAD v4.1: 4 of 1,157,050 alleles (0.00035%); highest among the groups gnomAD compares: African/African-American, 0.003%; no homozygotes.

Submission:

Labcorp Genetics (formerly Invitae), Labcorp
Classification: Uncertain significance. Last evaluated: 2021-12-03. Review status: criteria provided, single submitter. Criteria: Invitae Variant Classification Sherloc (09022015). Collection method: clinical testing. Allele origin: germline.
Comment: This sequence change replaces threonine, which is neutral and polar, with isoleucine, which is neutral and non-polar, at codon 47 of the PHYH protein (p.Thr47Ile). This variant is present in population databases (rs754281074, gnomAD 0.007%). This variant has not been reported in the literature in individuals affected with PHYH-related conditions. Algorithms developed to predict the effect of missense changes on protein structure and function are either unavailable or do not agree on the potential impact of this missense change (SIFT: "Deleterious"; PolyPhen-2: "Possibly Damaging"; Align-GVGD: "Class C0"). In summary, the available evidence is currently insufficient to determine the role of this variant in disease. Therefore, it has been classified as a Variant of Uncertain Significance.